The following is an entry in ClinVar:

NM_000264.5(PTCH1):c.3850C>T (p.Gln1284Ter)

Gene: PTCH1 (patched 1; minus strand). Cytogenetic location: 9q22.32.
Variant type: single nucleotide variant.
Coding change: c.3850C>T on transcript NM_000264.5 (MANE Select); coding-DNA position 3850, C replaced by T.
Protein change: p.Gln1284Ter; replaces glutamine 1284 with a stop codon.
Molecular consequence: nonsense. On other transcripts: non-coding transcript variant (1).
Genome position (GRCh38, 1-based): chr9:95,447,406, G>A on the plus strand (C>T on the coding strand, the complement: PTCH1 is on the minus strand). VCF-style: chr9-95447406-G-A. GRCh37 (hg19) VCF-style: chr9-98209688-G-A.
Other names: c.3652C>T, p.Gln1218Ter (NM_001083602.3); c.3847C>T, p.Gln1283Ter (NM_001083603.3); c.3397C>T, p.Gln1133Ter (NM_001083604.3, NM_001083605.3, NM_001083606.3 and 1 more transcripts); c.3694C>T, p.Gln1232Ter (NM_001354918.2); short protein forms Q1284*, Q1232*, Q1283*, Q1218*, Q1133*.
Identifiers: ClinVar variation 858666 (VCV000858666.11), dbSNP rs1838050037, ClinGen allele CA374110797.

ClinVar aggregate classification (germline): Uncertain significance. Review status: criteria provided, multiple submitters, no conflicts (2 of 4 stars). 2 submissions from 2 submitters: Uncertain significance (2). Last evaluated 2025-06-18.

Conditions:
Gorlin syndrome. Also called: Nevoid Basal Cell Carcinoma Syndrome; Basal cell nevus syndrome. Identifiers: Orphanet 377, MedGen C0004779, MONDO:0007187.
Hereditary cancer-predisposing syndrome. Also called: Hereditary neoplastic syndrome; Tumor predisposition; Neoplastic Syndromes, Hereditary; Hereditary Cancer Syndrome. Identifiers: Orphanet 140162, MedGen C0027672, MeSH D009386, MONDO:0015356.

Submissions (2):

Ambry Genetics
Classification: Uncertain significance for Hereditary cancer-predisposing syndrome. Last evaluated: 2025-06-18. Review status: criteria provided, single submitter. Criteria: Ambry Variant Classification Scheme 2023. Collection method: clinical testing. Allele origin: germline.
Comment: The p.Q1284* variant (also known as c.3850C>T), located in coding exon 23 of the PTCH1 gene, results from a C to T substitution at nucleotide position 3850. This changes the amino acid from a glutamine to a stop codon within coding exon 23. Premature stop codons are typically deleterious in nature, and although this alteration is expected to result in loss of function by premature protein truncation or nonsense-mediated mRNA decay, it occurs near the 3' terminus of PTCH1 where no known functional domains are located. Alterations in this region have been observed in individuals who do not have a personal or family history that is consistent with or suggestive of PTCH1-associated disease (Ambry internal data). Since supporting evidence is conflicting at this time, the clinical significance of this alteration remains unclear.

Labcorp Genetics (formerly Invitae), Labcorp
Classification: Uncertain significance for Gorlin syndrome. Last evaluated: 2023-03-18. Review status: criteria provided, single submitter. Criteria: Invitae Variant Classification Sherloc (09022015). Collection method: clinical testing. Allele origin: germline.
Comment: In summary, the available evidence is currently insufficient to determine the role of this variant in disease. Therefore, it has been classified as a Variant of Uncertain Significance. This sequence change creates a premature translational stop signal (p.Gln1284*) in the PTCH1 gene. While this is not anticipated to result in nonsense mediated decay, it is expected to disrupt the last 164 amino acid(s) of the PTCH1 protein. This variant is not present in population databases (gnomAD no frequency). This variant has not been reported in the literature in individuals affected with PTCH1-related conditions. ClinVar contains an entry for this variant (Variation ID: 858666). Experimental studies and prediction algorithms are not available or were not evaluated, and the functional significance of this variant is currently unknown.